The following is an entry in ClinVar:

NM_006739.4(MCM5):c.430A>C (p.Met144Leu)

Gene: MCM5 (minichromosome maintenance complex component 5; plus strand). Cytogenetic location: 22q12.3.
Variant type: single nucleotide variant.
Coding change: c.430A>C on transcript NM_006739.4 (MANE Select); coding-DNA position 430, A replaced by C.
Protein change: p.Met144Leu; replaces methionine 144 with leucine.
Molecular consequence: missense variant.
Genome position (GRCh38, 1-based): chr22:35,406,559, A>C. VCF-style: chr22-35406559-A-C. GRCh37 (hg19) VCF-style: chr22-35802552-A-C.
Other names: short protein forms M144L.
Identifiers: ClinVar variation 3618746 (VCV003618746.2).

ClinVar aggregate classification (germline): Uncertain significance (1 of 4 stars; one submission).

Submission:

Labcorp Genetics (formerly Invitae), Labcorp
Classification: Uncertain significance. Last evaluated: 2024-10-22. Review status: criteria provided, single submitter. Criteria: Invitae Variant Classification Sherloc (09022015). Collection method: clinical testing. Allele origin: germline.
Comment: This sequence change replaces methionine, which is neutral and non-polar, with leucine, which is neutral and non-polar, at codon 144 of the MCM5 protein (p.Met144Leu). This variant is present in population databases (no rsID available, gnomAD 0.007%). This variant has not been reported in the literature in individuals affected with MCM5-related conditions. Invitae Evidence Modeling of protein sequence and biophysical properties (such as structural, functional, and spatial information, amino acid conservation, physicochemical variation, residue mobility, and thermodynamic stability) indicates that this missense variant is not expected to disrupt MCM5 protein function with a negative predictive value of 80%. In summary, the available evidence is currently insufficient to determine the role of this variant in disease. Therefore, it has been classified as a Variant of Uncertain Significance.